The following is an entry in ClinVar:

NM_020247.5(COQ8A):c.1715C>T (p.Ser572Phe)

Gene: COQ8A (coenzyme Q8A; plus strand). Cytogenetic location: 1q42.13.
Variant type: single nucleotide variant.
Coding change: c.1715C>T on transcript NM_020247.5 (MANE Select); coding-DNA position 1715, C replaced by T.
Protein change: p.Ser572Phe; replaces serine 572 with phenylalanine.
Molecular consequence: missense variant.
Genome position (GRCh38, 1-based): chr1:226,986,508, C>T. VCF-style: chr1-226986508-C-T. GRCh37 (hg19) VCF-style: chr1-227174209-C-T.
Other names: short protein forms S572F.
Identifiers: ClinVar variation 804508 (VCV000804508.6), dbSNP rs1572089312, ClinGen allele CA345056781.

ClinVar aggregate classification (germline): Uncertain significance. Review status: criteria provided, multiple submitters, no conflicts (2 of 4 stars). 2 submissions from 2 submitters: Uncertain significance (2). Last evaluated 2022-05-19.

Allele frequency attached by ClinVar (database versions not stated): gnomAD exomes below 0.00001.
gnomAD v4.1: 1 of 1,613,784 alleles (0.000062%); highest among the groups gnomAD compares: Non-Finnish European, 0.000085%; no homozygotes.

Submissions (2):

Labcorp Genetics (formerly Invitae), Labcorp
Classification: Uncertain significance. Last evaluated: 2022-05-19. Review status: criteria provided, single submitter. Criteria: Invitae Variant Classification Sherloc (09022015). Collection method: clinical testing. Allele origin: germline.
Comment: ClinVar contains an entry for this variant (Variation ID: 804508). In summary, the available evidence is currently insufficient to determine the role of this variant in disease. Therefore, it has been classified as a Variant of Uncertain Significance. Advanced modeling of protein sequence and biophysical properties (such as structural, functional, and spatial information, amino acid conservation, physicochemical variation, residue mobility, and thermodynamic stability) performed at Invitae indicates that this missense variant is not expected to disrupt COQ8A protein function. This variant has not been reported in the literature in individuals affected with COQ8A-related conditions. This variant is not present in population databases (gnomAD no frequency). This sequence change replaces serine, which is neutral and polar, with phenylalanine, which is neutral and non-polar, at codon 572 of the COQ8A protein (p.Ser572Phe).

Athena Diagnostics
Classification: Uncertain significance. Last evaluated: 2019-02-05. Review status: criteria provided, single submitter. Criteria: Athena Diagnostics Criteria. Collection method: clinical testing. Allele origin: germline.